The following is an entry in ClinVar:

ClinVar aggregate classification (germline): Pathogenic (1 of 4 stars; one submission).

Submission:

GeneDx
Classification: Pathogenic. Last evaluated: 2016-09-13. Review status: criteria provided, single submitter. Criteria: GeneDx Variant Classification (06012015). Collection method: clinical testing. Allele origin: germline. Affected: yes.
Comment: The c.2656delC pathogenic variant in the OFD1 gene causes a frameshift starting with codon Glutamine 886, changes this amino acid to a Lysine residue and creates a premature Stop codon at position 2 of the new reading frame, denoted p.Gln886LysfsX2. This pathogenic variant is predicted to cause loss of normal protein function either through protein truncation or nonsense-mediated mRNA decay. Additionally, the c.2656delC variant was not observed in approximately 6,500 individuals of European and African American ancestry in the NHLBI Exome Sequencing Project.

NM_003611.3(OFD1):c.2656del (p.Gln886fs)

Gene: OFD1 (OFD1 centriole and centriolar satellite protein; plus strand). Cytogenetic location: Xp22.2.
Variant type: Deletion.
Coding change: c.2656del on transcript NM_003611.3 (MANE Select); coding-DNA position 2656, one base deleted (C; older notation c.2656delC).
Protein change: p.Gln886fs; shifts the reading frame from glutamine 886.
Molecular consequence: frameshift variant.
Genome position (GRCh38, 1-based): chrX:13,767,183, C deleted. VCF-style (leftmost placement, unchanged base first): chrX-13767182-GC-G. GRCh37 (hg19) VCF-style: chrX-13785301-GC-G.
Other names: c.2536del, p.Gln846fs (NM_001330209.2); c.2236del, p.Gln746fs (NM_001330210.2); short protein forms Q886fs, Q746fs, Q846fs.
Identifiers: ClinVar variation 280861 (VCV000280861.2), dbSNP rs886041992, ClinGen allele CA10603409.